The following is an entry in ClinVar:

NM_020163.3(SEMA3G):c.2346G>A (p.Thr782=)

Gene: SEMA3G (semaphorin 3G; minus strand). Cytogenetic location: 3p21.1.
Variant type: single nucleotide variant.
Coding change: c.2346G>A on transcript NM_020163.3 (MANE Select); coding-DNA position 2346, G replaced by A.
Protein change: p.Thr782=; no amino-acid change (threonine 782 retained).
Molecular consequence: synonymous variant.
Genome position (GRCh38, 1-based): chr3:52,435,606, C>T on the plus strand (G>A on the coding strand, the complement: SEMA3G is on the minus strand). VCF-style: chr3-52435606-C-T. GRCh37 (hg19) VCF-style: chr3-52469622-C-T.
Identifiers: ClinVar variation 3048671 (VCV003048671.2), dbSNP rs180809713, ClinGen allele CA2437652.
Genomic context (GRCh38, chr3:52,435,606, plus strand): 5'-CTGGGGGCTGCTAGTGGGCCCCCCAGCCCATCCTGACCACCCCTCCTCTGCCCCCTTCTA[C>T]GTGGCCTCCACCTCCCGGGGCGTCCGATTGTGCTCGGCATGCACCCGGCTCTTCATCTTC-3'
Protein context (NP_064548.1, residues 772-782): HNRTPREVEA[Thr782=]

ClinVar aggregate classification (germline): Likely benign (0 of 4 stars; one submission).

Conditions:
SEMA3G-related disorder. Also called: SEMA3G-related condition.

Allele frequency attached by ClinVar (database versions not stated): gnomAD 0.00004; gnomAD exomes 0.00008; 1000 Genomes Project 30x 0.00016; 1000 Genomes Project 0.00020.

Submission:

PreventionGenetics, part of Exact Sciences
Classification: Likely benign for SEMA3G-related condition. Last evaluated: 2022-03-18. Review status: no assertion criteria provided. Collection method: clinical testing. Allele origin: germline.
Comment: This variant is classified as likely benign based on ACMG/AMP sequence variant interpretation guidelines (Richards et al. 2015 PMID: 25741868, with internal and published modifications).